The following is an entry in ClinVar:

NM_000257.4(MYH7):c.5105C>T (p.Ala1702Val)

Genes: MHRT (myosin heavy chain associated RNA transcript; plus strand), MYH7 (myosin heavy chain 7; minus strand), LOC126861897 (BRD4-independent group 4 enhancer GRCh37_chr14:23884455-23885654; plus strand). Cytogenetic location: 14q11.2.
Variant type: single nucleotide variant.
Coding change: c.5105C>T on transcript NM_000257.4 (MANE Select); coding-DNA position 5105, C replaced by T.
Protein change: p.Ala1702Val; replaces alanine 1702 with valine.
Molecular consequence: missense variant. On other transcripts: non-coding transcript variant (1).
Genome position (GRCh38, 1-based): chr14:23,415,681, G>A on the plus strand (C>T on the coding strand, the complement: MYH7 is on the minus strand). VCF-style: chr14-23415681-G-A. GRCh37 (hg19) VCF-style: chr14-23884890-G-A.
Other names: short protein forms A1702V.
Identifiers: ClinVar variation 1331955 (VCV001331955.15), dbSNP rs750013359, ClinGen allele CA045310.
Genomic context (GRCh38, chr14:23,415,681, plus strand): 5'-CTGCTCACCTGGGAATGCAGCAGCTGCACCCGCTCACTAGTCTCAATCAGCTCCTGCTCC[G>A]CCAGCTTCCGGGACCGCTCTGTCTGCTCCACCACGGCACGCAACTCCTCCAGCTCAGCCT-3'
Protein context (NP_000248.2, residues 1692-1712): VEQTERSRKL[Ala1702Val]EQELIETSER

ClinVar aggregate classification (germline): Uncertain significance. Review status: criteria provided, multiple submitters, no conflicts (2 of 4 stars). 5 submissions from 5 submitters: Uncertain significance (5). Last evaluated 2024-08-13.

Conditions:
Cardiomyopathy (CMYO). Also called: Cardiomyopathies. Identifiers: Orphanet 167848, MedGen C0878544, MONDO:0004994, HP:0001638. Inheritance: Various modes of inheritance.
Hypertrophic cardiomyopathy. Also called: HYPERTROPHIC MYOCARDIOPATHY. Identifiers: Orphanet 217569, MedGen C0007194, MeSH D002312, MONDO:0005045, HP:0001639.

Allele frequency attached by ClinVar (database versions not stated): gnomAD exomes 0.00001.
gnomAD v4.1: 8 of 1,614,008 alleles (0.0005%); highest among the groups gnomAD compares: South Asian, 0.0055%; no homozygotes.

Submissions (5):

All of Us Research Program, National Institutes of Health
Classification: Uncertain significance for Cardiomyopathy. Last evaluated: 2024-08-13. Review status: criteria provided, single submitter. Criteria: ACMG Guidelines, 2015. Collection method: clinical testing. Allele origin: germline. Inheritance: Autosomal dominant inheritance. Observed: 2 variant alleles, 2 heterozygotes.
Comment: This missense variant replaces alanine with valine at codon 1702 of the MYH7 protein. Computational prediction tools indicate that this variant has a deleterious impact on protein structure and function. To our knowledge, functional studies have not been reported for this variant. This variant has been reported in an individual affected with hypertrophic cardiomyopathy (PMID: 33495597). This variant has been identified in 2/251122 chromosomes in the general population by the Genome Aggregation Database (gnomAD). The available evidence is insufficient to determine the role of this variant in disease conclusively. Therefore, this variant is classified as a Variant of Uncertain Significance.

This study involves interpretation of variants in research participants for the purpose of population health screening. Participant phenotype was not available at the time of variant classification. Additional details can be found in publication PMID: 35346344, PMCID: PMC8962531

Color Diagnostics, LLC DBA Color Health
Classification: Uncertain significance for Cardiomyopathy. Last evaluated: 2024-07-25. Review status: criteria provided, single submitter. Criteria: ACMG Guidelines, 2015. Collection method: clinical testing. Allele origin: germline.
Comment: This missense variant replaces alanine with valine at codon 1702 of the MYH7 protein. Computational prediction tools indicate that this variant has a deleterious impact on protein structure and function. To our knowledge, functional studies have not been reported for this variant. This variant has been reported in an individual affected with hypertrophic cardiomyopathy (PMID: 33495597). This variant has been identified in 2/251122 chromosomes in the general population by the Genome Aggregation Database (gnomAD). The available evidence is insufficient to determine the role of this variant in disease conclusively. Therefore, this variant is classified as a Variant of Uncertain Significance.

Labcorp Genetics (formerly Invitae), Labcorp
Classification: Uncertain significance for Hypertrophic cardiomyopathy. Last evaluated: 2023-11-07. Review status: criteria provided, single submitter. Criteria: Invitae Variant Classification Sherloc (09022015). Collection method: clinical testing. Allele origin: germline.
Comment: This sequence change replaces alanine, which is neutral and non-polar, with valine, which is neutral and non-polar, at codon 1702 of the MYH7 protein (p.Ala1702Val). This variant is present in population databases (rs750013359, gnomAD 0.006%). This variant has not been reported in the literature in individuals affected with MYH7-related conditions. ClinVar contains an entry for this variant (Variation ID: 1331955). Advanced modeling of protein sequence and biophysical properties (such as structural, functional, and spatial information, amino acid conservation, physicochemical variation, residue mobility, and thermodynamic stability) performed at Invitae indicates that this missense variant is expected to disrupt MYH7 protein function with a positive predictive value of 95%. In summary, the available evidence is currently insufficient to determine the role of this variant in disease. Therefore, it has been classified as a Variant of Uncertain Significance.

AiLife Diagnostics
Classification: Uncertain significance. Last evaluated: 2021-09-29. Review status: criteria provided, single submitter. Criteria: ACMG Guidelines, 2015. Collection method: clinical testing. Allele origin: germline. Affected: yes. Observed: 1 variant allele.

Blueprint Genetics
Classification: Uncertain significance. Last evaluated: 2020-06-03. Review status: criteria provided, single submitter. Criteria: ACMG Guidelines, 2015. Collection method: clinical testing. Allele origin: germline.

Literature cited by the submitters: PubMed 33495597 (cited by All of Us Research Program, National Institutes of Health and Color Diagnostics, LLC DBA Color Health).